The following is an entry in ClinVar:

ClinVar aggregate classification (germline): Likely benign. Review status: criteria provided, multiple submitters, no conflicts (2 of 4 stars). 3 submissions from 3 submitters: Likely benign (2). 1 of the submissions does not count toward it. Last evaluated 2025-08-18.

Conditions:
ITPR1-related disorder. Also called: ITPR1-related condition.

Allele frequency attached by ClinVar (database versions not stated): TOPMed below 0.00001; gnomAD exomes 0.00001.
gnomAD v4.1: 3 of 1,613,344 alleles (0.00019%); highest among the groups gnomAD compares: Admixed American, 0.005%; no homozygotes.

Submissions (3):

Labcorp Genetics (formerly Invitae), Labcorp
Classification: Likely benign. Last evaluated: 2025-08-18. Review status: criteria provided, single submitter. Criteria: Invitae Variant Classification Sherloc (09022015). Collection method: clinical testing. Allele origin: germline.

Women's Health and Genetics/Laboratory Corporation of America, LabCorp
Classification: Likely benign. Last evaluated: 2025-05-14. Review status: criteria provided, single submitter. Criteria: LabCorp Variant Classification Summary - May 2015. Collection method: clinical testing. Allele origin: germline.

PreventionGenetics, part of Exact Sciences
Classification: Likely benign for ITPR1-related condition. Last evaluated: 2021-08-30. Review status: no assertion criteria provided. Collection method: clinical testing. Allele origin: germline. Not counted in ClinVar's aggregate classification.
Comment: This variant is classified as likely benign based on ACMG/AMP sequence variant interpretation guidelines (Richards et al. 2015 PMID: 25741868, with internal and published modifications).

NM_001378452.1(ITPR1):c.1767G>A (p.Val589=)

Gene: ITPR1 (inositol 1,4,5-trisphosphate receptor type 1; plus strand). Cytogenetic location: 3p26.1.
Variant type: single nucleotide variant.
Coding change: c.1767G>A on transcript NM_001378452.1 (MANE Select); coding-DNA position 1767, G replaced by A.
Protein change: p.Val589=; no amino-acid change (valine 589 retained).
Molecular consequence: synonymous variant.
Genome position (GRCh38, 1-based): chr3:4,667,430, G>A. VCF-style: chr3-4667430-G-A. GRCh37 (hg19) VCF-style: chr3-4709114-G-A.
Other names: c.1767G>A, p.Val589= (NM_001099952.4); c.1722G>A, p.Val574= (NM_001168272.2, NM_002222.7); c.1722G>A (NM_002222.5).
Identifiers: ClinVar variation 2187826 (VCV002187826.7), dbSNP rs907737714, ClinGen allele CA68814494.